The following is an entry in ClinVar:

ClinVar aggregate classification (germline): Likely benign. Review status: reviewed by expert panel (3 of 4 stars). 2 submissions from 2 submitters: Likely benign (1). 1 of the submissions does not count toward it. Last evaluated 2025-01-15.

Conditions:
Hereditary thrombocytopenia and hematological cancer predisposition syndrome associated with RUNX1. Also called: Familial Platelet Disorder with Propensity to Acute Myelogenous Leukemia; Familial thrombocytopenia with propensity to acute myelogenous leukemia; PLATELET DISORDER, ASPIRIN-LIKE; RUNX1 Familial Platelet Disorder with Associated Myeloid Malignancies. Identifiers: Orphanet 71290, MedGen C1832388, MeSH C563324, MONDO:0100083, OMIM 601399.
Hereditary thrombocytopenia and hematologic cancer predisposition syndrome. Identifiers: Orphanet 71290, MedGen CN281654, MONDO:0011071.

Submissions (2):

ClinGen Myeloid Malignancy Variant Curation Expert Panel
Classification: Likely benign for Hereditary thrombocytopenia and hematologic cancer predisposition syndrome. Last evaluated: 2025-01-15. Review status: reviewed by expert panel. Criteria: ClinGen MyeloMalig ACMG Specifications v2. Collection method: curation. Allele origin: germline. Inheritance: Autosomal dominant inheritance.
Comment: NM_001754.5(RUNX1):c.613+16T>C is an intronic variant which has a SpliceAI score ≤ 0.20 (0.0) (BP4). This variant is completely absent from all population databases with at least 20x coverage for RUNX1 (PM2_Supporting). In summary, this variant meets criteria to be classified as likely benign. ACMG/AMP criteria applied, as specified by the Myeloid Malignancy Variant Curation Expert Panel for RUNX1: BP4, BP7, PM2_supporting.

Labcorp Genetics (formerly Invitae), Labcorp
Classification: Likely benign for Hereditary thrombocytopenia and hematological cancer predisposition syndrome associated with RUNX1. Last evaluated: 2022-05-30. Review status: criteria provided, single submitter. Criteria: Invitae Variant Classification Sherloc (09022015). Collection method: clinical testing. Allele origin: germline. Not counted in ClinVar's aggregate classification.

NM_001754.5(RUNX1):c.613+16T>C

Genes: RUNX1 (RUNX family transcription factor 1; minus strand), RUNX1-AS1 (RUNX1 antisense RNA 1; plus strand). Cytogenetic location: 21q22.12.
Variant type: single nucleotide variant.
Coding change: c.613+16T>C on transcript NM_001754.5 (MANE Select); 16 bases into the intron after coding-DNA position 613, T replaced by C.
Molecular consequence: intron variant.
Genome position (GRCh38, 1-based): chr21:34,859,458, A>G on the plus strand (T>C on the coding strand, the complement: RUNX1 is on the minus strand). VCF-style: chr21-34859458-A-G. GRCh37 (hg19) VCF-style: chr21-36231755-A-G.
Other names: c.532+16T>C (NM_001001890.3, NM_001122607.2).
Identifiers: ClinVar variation 2000867 (VCV002000867.5), dbSNP rs2146233973, ClinGen allele CA2580098629.